The following is an entry in ClinVar:

ClinVar aggregate classification (germline): Uncertain significance (1 of 4 stars; one submission).

Conditions:
Developmental delay with or without dysmorphic facies and autism. Identifiers: MedGen C5193106, MONDO:0032760, OMIM 618454.

Submission:

Broad Center for Mendelian Genomics, Broad Institute of MIT and Harvard
Classification: Uncertain significance for Developmental delay with or without dysmorphic facies and autism. Last evaluated: 2023-05-02. Review status: criteria provided, single submitter. Criteria: ACMG Guidelines, 2015. Collection method: curation. Allele origin: germline. Inheritance: Autosomal dominant inheritance.
Comment: Trio exome analysis showed this variant to be de novo. The p.Ala522GlyfsTer51 variant in TRRAP has not been previously reported in individuals with developmental delay with or without dysmorphic facies and autism. This variant was absent from large population studies. This variant is predicted to cause a frameshift, which alters the protein‚Äôs amino acid sequence beginning at position 522 and leads to a premature termination codon 51 amino acids downstream. This alteration is then predicted to lead to a truncated or absent protein. While there is some evidence to suggest that heterozygous loss of function of the TRRAP gene is a disease mechanism in autosomal dominant developmental delay with or without dysmorphic facies and autism, this association is not yet strongly established based on the criteria laid out in Tayoun, 2018 (PMID: 30192042). In summary, while there is some suspicion for a pathogenic role, the clinical significance of this variant is uncertain. ACMG/AMP Criteria applied: PVS1_Moderate, PM2_Supporting, PS2_Moderate (Richards 2015).

NM_001375524.1(TRRAP):c.1562_1563insT (p.Ala522fs)

Gene: TRRAP (transformation/transcription domain associated protein; plus strand). Cytogenetic location: 7q22.1.
Variant type: Insertion.
Coding change: c.1562_1563insT on transcript NM_001375524.1 (MANE Select); coding-DNA positions 1562 to 1563, T inserted.
Protein change: p.Ala522fs; shifts the reading frame from alanine 522.
Molecular consequence: frameshift variant.
Genome position: GRCh38 VCF-style: chr7-98910267-C-CT. GRCh37 (hg19) VCF-style: chr7-98507890-C-CT.
Other names: NM_003496.4:c.1562_1563insT; c.1562_1563insT, p.Ala522fs (NM_001244580.2, NM_003496.4); short protein forms A522fs.
Identifiers: ClinVar variation 2500916 (VCV002500916.1), dbSNP rs2484713129, ClinGen allele CA2579754017.